The following is an entry in ClinVar:

NM_145167.3(PIGM):c.1269C>G (p.Asp423Glu)

Gene: PIGM (phosphatidylinositol glycan anchor biosynthesis class M; minus strand). Cytogenetic location: 1q23.2.
Variant type: single nucleotide variant.
Coding change: c.1269C>G on transcript NM_145167.3 (MANE Select); coding-DNA position 1269, C replaced by G.
Protein change: p.Asp423Glu; replaces aspartic acid 423 with glutamic acid.
Molecular consequence: missense variant.
Genome position (GRCh38, 1-based): chr1:160,030,471, G>C on the plus strand (C>G on the coding strand, the complement: PIGM is on the minus strand). VCF-style: chr1-160030471-G-C. GRCh37 (hg19) VCF-style: chr1-160000261-G-C.
Other names: short protein forms D423E.
Identifiers: ClinVar variation 3015199 (VCV003015199.3), dbSNP rs751814615, ClinGen allele CA1192898.

ClinVar aggregate classification (germline): Uncertain significance (1 of 4 stars; one submission).

Conditions:
Hypercoagulability syndrome due to glycosylphosphatidylinositol deficiency (GPIBD1). Also called: GLYCOSYLPHOSPHATIDYLINOSITOL BIOSYNTHESIS DEFECT 1. Identifiers: Orphanet 83639, MedGen C5201145, MONDO:0012465, OMIM 610293.

Allele frequency attached by ClinVar (database versions not stated): gnomAD 0.00001; TOPMed 0.00002; ExAC 0.00003.

Submission:

Labcorp Genetics (formerly Invitae), Labcorp
Classification: Uncertain significance for Hypercoagulability syndrome due to glycosylphosphatidylinositol deficiency. Last evaluated: 2025-10-02. Review status: criteria provided, single submitter. Criteria: Invitae Variant Classification Sherloc (09022015). Collection method: clinical testing. Allele origin: germline.
Comment: This sequence change replaces aspartic acid, which is acidic and polar, with glutamic acid, which is acidic and polar, at codon 423 of the PIGM protein (p.Asp423Glu). This variant is present in population databases (rs751814615, gnomAD 0.01%). This variant has not been reported in the literature in individuals affected with PIGM-related conditions. ClinVar contains an entry for this variant (Variation ID: 3015199). An algorithm developed to predict the effect of missense changes on protein structure and function outputs the following: PolyPhen-2: "Benign". The glutamic acid amino acid residue is found in multiple mammalian species, which suggests that this missense change does not adversely affect protein function. In summary, the available evidence is currently insufficient to determine the role of this variant in disease. Therefore, it has been classified as a Variant of Uncertain Significance.